The following is an entry in ClinVar:

ClinVar aggregate classification (germline): Benign/Likely benign. Review status: criteria provided, multiple submitters, no conflicts (2 of 4 stars). 5 submissions from 5 submitters: Benign (1); Likely benign (4). Last evaluated 2025-08-07.

Conditions:
Hereditary cancer-predisposing syndrome. Also called: Tumor predisposition; Hereditary neoplastic syndrome; Hereditary Cancer Syndrome; Neoplastic Syndromes, Hereditary. Identifiers: Orphanet 140162, MedGen C0027672, MeSH D009386, MONDO:0015356.
Hereditary diffuse gastric adenocarcinoma (HDGC). Also called: DIFFUSE GASTRIC AND LOBULAR BREAST CANCER SYNDROME. Identifiers: Orphanet 26106, MedGen C1708349, MONDO:0007648, OMIM 137215.

Allele frequency attached by ClinVar (database versions not stated): gnomAD 0.00001; gnomAD exomes 0.00001; TOPMed 0.00002.
gnomAD v4.1: 5 of 1,614,084 alleles (0.00031%); highest among the groups gnomAD compares: African/African-American, 0.0067%; no homozygotes.

Submissions (5):

Labcorp Genetics (formerly Invitae), Labcorp
Classification: Likely benign for Hereditary diffuse gastric adenocarcinoma. Last evaluated: 2025-08-07. Review status: criteria provided, single submitter. Criteria: Invitae Variant Classification Sherloc (09022015). Collection method: clinical testing. Allele origin: germline.

Myriad Genetics, Inc.
Classification: Benign for Hereditary diffuse gastric adenocarcinoma. Last evaluated: 2024-09-20. Review status: criteria provided, single submitter. Criteria: Myriad Autosomal Dominant, Autosomal Recessive and X-Linked Classification Criteria (2023). Collection method: clinical testing. Allele origin: unknown.
Comment: This variant is considered benign. This variant is a silent/synonymous amino acid change and it is not expected to impact splicing.

Women's Health and Genetics/Laboratory Corporation of America, LabCorp
Classification: Likely benign. Last evaluated: 2023-05-28. Review status: criteria provided, single submitter. Criteria: LabCorp Variant Classification Summary - May 2015. Collection method: clinical testing. Allele origin: germline.

Ambry Genetics
Classification: Likely benign for Hereditary cancer-predisposing syndrome. Last evaluated: 2019-03-13. Review status: criteria provided, single submitter. Criteria: Ambry Variant Classification Scheme 2023. Collection method: clinical testing. Allele origin: germline.

Color Diagnostics, LLC DBA Color Health
Classification: Likely benign for Hereditary cancer-predisposing syndrome. Last evaluated: 2018-11-26. Review status: criteria provided, single submitter. Criteria: ACMG Guidelines, 2015. Collection method: clinical testing. Allele origin: germline.

NM_004360.5(CDH1):c.1797T>C (p.Thr599=)

Gene: CDH1 (cadherin 1; plus strand). Cytogenetic location: 16q22.1.
Variant type: single nucleotide variant.
Coding change: c.1797T>C on transcript NM_004360.5 (MANE Select); coding-DNA position 1797, T replaced by C.
Protein change: p.Thr599=; no amino-acid change (threonine 599 retained).
Molecular consequence: synonymous variant. On other transcripts: 5 prime UTR variant (1).
Genome position (GRCh38, 1-based): chr16:68,822,086, T>C. VCF-style: chr16-68822086-T-C. GRCh37 (hg19) VCF-style: chr16-68855989-T-C.
Other names: c.1614T>C, p.Thr538= (NM_001317184.2); c.249T>C, p.Thr83= (NM_001317185.2); c.-169T>C (NM_001317186.2).
Identifiers: ClinVar variation 699641 (VCV000699641.17), dbSNP rs786201932, ClinGen allele CA496392574.